The following is an entry in ClinVar:

NM_152296.5(ATP1A3):c.2124T>G (p.Gly708=)

Gene: ATP1A3 (ATPase Na+/K+ transporting subunit alpha 3; minus strand). Cytogenetic location: 19q13.2.
Variant type: single nucleotide variant.
Coding change: c.2124T>G on transcript NM_152296.5 (MANE Select); coding-DNA position 2124, T replaced by G.
Protein change: p.Gly708=; no amino-acid change (glycine 708 retained).
Molecular consequence: synonymous variant.
Genome position (GRCh38, 1-based): chr19:41,975,768, A>C on the plus strand (T>G on the coding strand, the complement: ATP1A3 is on the minus strand). VCF-style: chr19-41975768-A-C. GRCh37 (hg19) VCF-style: chr19-42479920-A-C.
Other names: c.2157T>G, p.Gly719= (NM_001256213.2); c.2163T>G, p.Gly721= (NM_001256214.2).
Identifiers: ClinVar variation 2701789 (VCV002701789.5), dbSNP rs782662748, ClinGen allele CA9467456.

ClinVar aggregate classification (germline): Likely benign. Review status: criteria provided, multiple submitters, no conflicts (2 of 4 stars). 2 submissions from 2 submitters: Likely benign (2). Last evaluated 2026-04-01.

Conditions:
Dystonia 12 (DYT12). Also called: DYT-ATP1A3; Rapid-Onset Dystonia-Parkinsonism (RDP). Identifiers: Orphanet 71517, MedGen C1868681, MONDO:0007496, OMIM 128235.

Allele frequency attached by ClinVar (database versions not stated): ExAC 0.00002.

Submissions (2):

CeGaT Center for Human Genetics Tuebingen
Classification: Likely benign. Last evaluated: 2026-04-01. Review status: criteria provided, single submitter. Criteria: CeGaT Center For Human Genetics Tuebingen Variant Classification Criteria Version 2. Collection method: clinical testing. Allele origin: germline. Affected: yes. Observed: 1 variant allele.
Comment: ATP1A3: BP4, BP7

Labcorp Genetics (formerly Invitae), Labcorp
Classification: Likely benign for Dystonia 12. Last evaluated: 2024-03-11. Review status: criteria provided, single submitter. Criteria: Invitae Variant Classification Sherloc (09022015). Collection method: clinical testing. Allele origin: germline.